The following is an entry in ClinVar:

NM_022124.6(CDH23):c.2584G>A (p.Asp862Asn)

Gene: CDH23 (cadherin related 23; plus strand). Cytogenetic location: 10q22.1.
Variant type: single nucleotide variant.
Coding change: c.2584G>A on transcript NM_022124.6 (MANE Select); coding-DNA position 2584, G replaced by A.
Protein change: p.Asp862Asn; replaces aspartic acid 862 with asparagine.
Molecular consequence: missense variant.
Genome position (GRCh38, 1-based): chr10:71,702,208, G>A. VCF-style: chr10-71702208-G-A. GRCh37 (hg19) VCF-style: chr10-73461965-G-A.
Other names: c.2584G>A, p.Asp862Asn (NM_001171930.2, NM_001171931.2); short protein forms D862N.
Identifiers: ClinVar variation 4702584 (VCV004702584.1).

ClinVar aggregate classification (germline): Uncertain significance (1 of 4 stars; one submission).

gnomAD v4.1: 4 of 1,613,392 alleles (0.00025%); highest among the groups gnomAD compares: Admixed American, 0.0017%; no homozygotes.

Submission:

Labcorp Genetics (formerly Invitae), Labcorp
Classification: Uncertain significance. Last evaluated: 2025-02-10. Review status: criteria provided, single submitter. Criteria: Invitae Variant Classification Sherloc (09022015). Collection method: clinical testing. Allele origin: germline.
Comment: This sequence change replaces aspartic acid, which is acidic and polar, with asparagine, which is neutral and polar, at codon 862 of the CDH23 protein (p.Asp862Asn). This variant is not present in population databases (gnomAD no frequency). This missense change has been observed in individual(s) with deafness (internal data). Invitae Evidence Modeling of protein sequence and biophysical properties (such as structural, functional, and spatial information, amino acid conservation, physicochemical variation, residue mobility, and thermodynamic stability) has been performed for this missense variant. However, the output from this modeling did not meet the statistical confidence thresholds required to predict the impact of this variant on CDH23 protein function. In summary, the available evidence is currently insufficient to determine the role of this variant in disease. Therefore, it has been classified as a Variant of Uncertain Significance.